The following is an entry in ClinVar:

NM_001735.3(C5):c.1506+1G>A

Gene: C5 (complement C5; minus strand). Cytogenetic location: 9q33.2.
Variant type: single nucleotide variant.
Coding change: c.1506+1G>A on transcript NM_001735.3 (MANE Select); the canonical splice donor site of the intron after coding-DNA position 1506, G replaced by A.
Molecular consequence: splice donor variant.
Genome position (GRCh38, 1-based): chr9:121,019,975, C>T on the plus strand (G>A on the coding strand, the complement: C5 is on the minus strand). VCF-style: chr9-121019975-C-T. GRCh37 (hg19) VCF-style: chr9-123782253-C-T.
Other names: c.1524+1G>A (NM_001317163.2); c.1506+1G>A (NM_001317164.2).
Identifiers: ClinVar variation 2151293 (VCV002151293.3), dbSNP rs746499570, ClinGen allele CA5218063.

ClinVar aggregate classification (germline): Likely pathogenic (1 of 4 stars; one submission).

Allele frequency attached by ClinVar (database versions not stated): gnomAD exomes below 0.00001; TOPMed below 0.00001; ExAC 0.00001; gnomAD 0.00001.
gnomAD v4.1: 3 of 1,559,458 alleles (0.00019%); highest among the groups gnomAD compares: South Asian, 0.0022%; no homozygotes.

Submission:

Labcorp Genetics (formerly Invitae), Labcorp
Classification: Likely pathogenic. Last evaluated: 2025-08-12. Review status: criteria provided, single submitter. Criteria: Invitae Variant Classification Sherloc (09022015). Collection method: clinical testing. Allele origin: germline.
Comment: This sequence change affects a donor splice site in intron 12 of the C5 gene. It is expected to disrupt RNA splicing. Variants that disrupt the donor or acceptor splice site typically lead to a loss of protein function (PMID: 16199547), and loss-of-function variants in C5 are known to be pathogenic (PMID: 7730648, 19414197, 27026170). This variant is not present in population databases (gnomAD no frequency). This variant has not been reported in the literature in individuals affected with C5-related conditions. ClinVar contains an entry for this variant (Variation ID: 2151293). Algorithms developed to predict the effect of sequence changes on RNA splicing suggest that this variant may disrupt the consensus splice site. In summary, the currently available evidence indicates that the variant is pathogenic, but additional data are needed to prove that conclusively. Therefore, this variant has been classified as Likely Pathogenic.

Literature cited by the submitters: PubMed 16199547; PubMed 7730648; PubMed 19414197; PubMed 27026170.